The following is an entry in ClinVar:

ClinVar aggregate classification (germline): Uncertain significance (1 of 4 stars; one submission).

Conditions:
Autosomal recessive limb-girdle muscular dystrophy type 2A (LGMDR1). Also called: Limb-girdle muscular dystrophy, type 2A; Muscular dystrophy, limb-girdle, type 2A, Amish; LEYDEN-MOEBIUS MUSCULAR DYSTROPHY; MUSCULAR DYSTROPHY, PELVOFEMORAL; Calpainopathy. Identifiers: Orphanet 267, MedGen C1869123, MONDO:0009675, OMIM 253600. Disease mechanism: loss of function.

Submission:

Labcorp Genetics (formerly Invitae), Labcorp
Classification: Uncertain significance for Autosomal recessive limb-girdle muscular dystrophy type 2A. Last evaluated: 2022-08-26. Review status: criteria provided, single submitter. Criteria: Invitae Variant Classification Sherloc (09022015). Collection method: clinical testing. Allele origin: germline.
Comment: This sequence change replaces lysine, which is basic and polar, with alanine, which is neutral and non-polar, at codon 207 of the CAPN3 protein (p.Lys207Ala). In summary, the available evidence is currently insufficient to determine the role of this variant in disease. Therefore, it has been classified as a Variant of Uncertain Significance. Algorithms developed to predict the effect of missense changes on protein structure and function are either unavailable or do not agree on the potential impact of this missense change (SIFT: "Not Available"; PolyPhen-2: "Probably Damaging"; Align-GVGD: "Not Available"). ClinVar contains an entry for this variant (Variation ID: 1354904). This variant has not been reported in the literature in individuals affected with CAPN3-related conditions. Information on the frequency of this variant in the gnomAD database is not available, as this variant may be reported differently in the database.

NM_000070.3(CAPN3):c.619_620delinsGC (p.Lys207Ala)

Gene: CAPN3 (calpain 3; plus strand). Cytogenetic location: 15q15.1.
Variant type: Indel.
Coding change: c.619_620delinsGC on transcript NM_000070.3 (MANE Select); coding-DNA positions 619 to 620, AA replaced by GC.
Protein change: p.Lys207Ala; replaces lysine 207 with alanine.
Molecular consequence: missense variant.
Genome position (GRCh38, 1-based): chr15:42,387,873-42,387,874, AA replaced by GC. VCF-style: chr15-42387873-AA-GC. GRCh37 (hg19) VCF-style: chr15-42680071-AA-GC.
Other names: c.619_620delinsGC, p.Lys207Ala (NM_024344.2, NM_173087.2); short protein forms K207A.
Identifiers: ClinVar variation 1354904 (VCV001354904.6), dbSNP rs2141165016, ClinGen allele CA2573150702.
Genomic context (GRCh38, chr15:42,387,873, plus strand): 5'-AATCAACTGGTTTTCACCAAGTCCAACCACCGCAATGAGTTCTGGAGTGCTCTGCTGGAG[AA>GC]GGCTTATGCTAAGTAAGCAACACTTTAGAATGTGAGGTGGGGCTAGAGGTGAGAAAGTGG-3'
Protein context (NP_000061.1, residues 197-217): RNEFWSALLE[Lys207Ala]AYAKLHGSYE